The following is an entry in ClinVar:

NM_001014987.2(LAT):c.101-13CT[2]

Gene: LAT (linker for activation of T cells; plus strand). Cytogenetic location: 16p11.2.
Variant type: Microsatellite.
Coding change: c.101-13CT[2] on transcript NM_001014987.2 (MANE Select); two copies in a row of the 2-base unit CT starting at c.101-13; the reference has three copies in a row; one copy, 2 bases deleted.
Molecular consequence: intron variant.
Genome position (GRCh38, 1-based): chr16:28,985,704-28,985,705, CT deleted; deleting any 2 consecutive bases within chr16:28,985,700-28,985,705 gives the same sequence; the position shown is the placement nearest the transcript's 3' end. VCF-style (leftmost placement, unchanged base first): chr16-28985699-CCT-C. GRCh37 (hg19) VCF-style: chr16-28997020-CCT-C.
Other names: c.209-13CT[2] (NM_001014989.2); c.101-13CT[2] (NM_014387.4, NM_001014988.2).
Identifiers: ClinVar variation 1426663 (VCV001426663.8), dbSNP rs2141684070, ClinGen allele CA2580613453.

ClinVar aggregate classification (germline): Uncertain significance (1 of 4 stars; one submission).

Submission:

Labcorp Genetics (formerly Invitae), Labcorp
Classification: Uncertain significance. Last evaluated: 2022-06-20. Review status: criteria provided, single submitter. Criteria: Invitae Variant Classification Sherloc (09022015). Collection method: clinical testing. Allele origin: germline.
Comment: In summary, the available evidence is currently insufficient to determine the role of this variant in disease. Therefore, it has been classified as a Variant of Uncertain Significance. Algorithms developed to predict the effect of sequence changes on RNA splicing suggest that this variant may disrupt the consensus splice site. This variant has not been reported in the literature in individuals affected with LAT-related conditions. This variant is not present in population databases (gnomAD no frequency). This sequence change falls in intron 1 of the LAT gene. It does not directly change the encoded amino acid sequence of the LAT protein.